The following is an entry in ClinVar:

ClinVar aggregate classification (germline): Uncertain significance (1 of 4 stars; one submission).

Allele frequency attached by ClinVar (database versions not stated): gnomAD exomes below 0.00001; ExAC 0.00001; gnomAD 0.00001; TOPMed 0.00002; ESP Exome Variant Server 0.00008.

Submission:

Labcorp Genetics (formerly Invitae), Labcorp
Classification: Uncertain significance. Last evaluated: 2022-02-24. Review status: criteria provided, single submitter. Criteria: Invitae Variant Classification Sherloc (09022015). Collection method: clinical testing. Allele origin: germline.
Comment: This sequence change falls in intron 3 of the USH1C gene. It does not directly change the encoded amino acid sequence of the USH1C protein. It affects a nucleotide within the consensus splice site. This variant is present in population databases (rs368224880, gnomAD 0.007%). This variant has not been reported in the literature in individuals affected with USH1C-related conditions. Variants that disrupt the consensus splice site are a relatively common cause of aberrant splicing (PMID: 17576681, 9536098). Algorithms developed to predict the effect of sequence changes on RNA splicing suggest that this variant is not likely to affect RNA splicing. In summary, the available evidence is currently insufficient to determine the role of this variant in disease. Therefore, it has been classified as a Variant of Uncertain Significance.

Literature cited by the submitters: PubMed 17576681; PubMed 9536098.

NM_153676.4(USH1C):c.248+6G>A

Gene: USH1C (USH1 protein network component harmonin; minus strand). Cytogenetic location: 11p15.1.
Variant type: single nucleotide variant.
Coding change: c.248+6G>A on transcript NM_153676.4 (MANE Select); 6 bases into the intron after coding-DNA position 248, G replaced by A.
Molecular consequence: intron variant.
Genome position (GRCh38, 1-based): chr11:17,531,393, C>T on the plus strand (G>A on the coding strand, the complement: USH1C is on the minus strand). VCF-style: chr11-17531393-C-T. GRCh37 (hg19) VCF-style: chr11-17552940-C-T.
Other names: c.248+6G>A (NM_001297764.2, NM_005709.4).
Identifiers: ClinVar variation 1514376 (VCV001514376.6), dbSNP rs368224880, ClinGen allele CA5905130.